The following is an entry in ClinVar:

ClinVar aggregate classification (germline): Uncertain significance (1 of 4 stars; one submission).

Submission:

Labcorp Genetics (formerly Invitae), Labcorp
Classification: Uncertain significance. Last evaluated: 2025-02-08. Review status: criteria provided, single submitter. Criteria: Invitae Variant Classification Sherloc (09022015). Collection method: clinical testing. Allele origin: germline.
Comment: This sequence change replaces arginine, which is basic and polar, with cysteine, which is neutral and slightly polar, at codon 6 of the PUS1 protein (p.Arg6Cys). This variant is not present in population databases (gnomAD no frequency). This variant has not been reported in the literature in individuals affected with PUS1-related conditions. An algorithm developed to predict the effect of missense changes on protein structure and function (PolyPhen-2) suggests that this variant is likely to be tolerated. In summary, the available evidence is currently insufficient to determine the role of this variant in disease. Therefore, it has been classified as a Variant of Uncertain Significance.

NM_025215.6(PUS1):c.16C>T (p.Arg6Cys)

Gene: PUS1 (pseudouridine synthase 1; plus strand). Cytogenetic location: 12q24.33.
Variant type: single nucleotide variant.
Coding change: c.16C>T on transcript NM_025215.6 (MANE Select); coding-DNA position 16, C replaced by T.
Protein change: p.Arg6Cys; replaces arginine 6 with cysteine.
Molecular consequence: missense variant. On other transcripts: intron variant (2).
Genome position (GRCh38, 1-based): chr12:131,929,738, C>T. VCF-style: chr12-131929738-C-T. GRCh37 (hg19) VCF-style: chr12-132414283-C-T.
Other names: c.-10-169C>T (NM_001002019.3, NM_001002020.3); short protein forms R6C.
Identifiers: ClinVar variation 4749360 (VCV004749360.1), dbSNP rs587781135.